The following is an entry in ClinVar:

ClinVar aggregate classification (germline): Uncertain significance (1 of 4 stars; one submission).

Conditions:
Cardiovascular phenotype. Identifiers: MedGen CN230736.

Submission:

Ambry Genetics
Classification: Uncertain significance for Cardiovascular phenotype. Last evaluated: 2021-01-19. Review status: criteria provided, single submitter. Criteria: Ambry Variant Classification Scheme 2023. Collection method: clinical testing. Allele origin: germline.
Comment: The p.S713P variant (also known as c.2137T>C), located in coding exon 16 of the ABCC9 gene, results from a T to C substitution at nucleotide position 2137. The serine at codon 713 is replaced by proline, an amino acid with similar properties. This amino acid position is highly conserved in available vertebrate species. In addition, this alteration is predicted to be deleterious by in silico analysis. Since supporting evidence is limited at this time, the clinical significance of this alteration remains unclear.

NM_020297.4(ABCC9):c.2137T>C (p.Ser713Pro)

Gene: ABCC9 (ATP binding cassette subfamily C member 9; minus strand). Cytogenetic location: 12p12.1.
Variant type: single nucleotide variant.
Coding change: c.2137T>C on transcript NM_020297.4 (MANE Select); coding-DNA position 2137, T replaced by C.
Protein change: p.Ser713Pro; replaces serine 713 with proline.
Molecular consequence: missense variant.
Genome position (GRCh38, 1-based): chr12:21,872,686, A>G on the plus strand (T>C on the coding strand, the complement: ABCC9 is on the minus strand). VCF-style: chr12-21872686-A-G. GRCh37 (hg19) VCF-style: chr12-22025620-A-G.
Other names: c.2137T>C, p.Ser713Pro (NM_001377273.1, NM_005691.4); c.1273T>C, p.Ser425Pro (NM_001377274.1); short protein forms S425P, S713P.
Identifiers: ClinVar variation 1786499 (VCV001786499.2), dbSNP rs2541326212, ClinGen allele CA384132722.